The following is an entry in ClinVar:

ClinVar aggregate classification (germline): Pathogenic (1 of 4 stars; one submission).

Allele frequency attached by ClinVar (database versions not stated): gnomAD 0.00001; TOPMed 0.00001.

Submission:

Labcorp Genetics (formerly Invitae), Labcorp
Classification: Pathogenic. Last evaluated: 2023-11-16. Review status: criteria provided, single submitter. Criteria: Invitae Variant Classification Sherloc (09022015). Collection method: clinical testing. Allele origin: germline.
Comment: This sequence change creates a premature translational stop signal (p.Met98Trpfs*22) in the MOCS2B gene. It is expected to result in an absent or disrupted protein product. Loss-of-function variants in MOCS2B are known to be pathogenic (PMID: 21031595). This variant is not present in population databases (gnomAD no frequency). This variant has not been reported in the literature in individuals affected with MOCS2B-related conditions. For these reasons, this variant has been classified as Pathogenic.

Literature cited by the submitters: PubMed 21031595.

NM_004531.5(MOCS2):c.292del (p.Met98fs)

Gene: MOCS2 (molybdenum cofactor synthesis 2; minus strand). Cytogenetic location: 5q11.2.
Variant type: Deletion.
Coding change: c.292del on transcript NM_004531.5 (MANE Select); coding-DNA position 292, one base deleted (A; older notation c.292delA).
Protein change: p.Met98fs; shifts the reading frame from methionine 98.
Molecular consequence: frameshift variant. On other transcripts: 3 prime UTR variant (1).
Genome position (GRCh38, 1-based): chr5:53,101,444, T deleted on the plus strand (A on the coding strand, the reverse complement: MOCS2 is on the minus strand). VCF-style (leftmost placement, unchanged base first): chr5-53101443-AT-A. GRCh37 (hg19) VCF-style: chr5-52397273-AT-A.
Other names: c.*212del (NM_176806.4); c.292delA, p.Met98Trpfs (NM_183418.1); short protein forms M98fs.
Identifiers: ClinVar variation 2696333 (VCV002696333.3), dbSNP rs1328493860, ClinGen allele CA812033547.